The following is an entry in ClinVar:

NM_001070.5(TUBG1):c.1131G>T (p.Met377Ile)

Gene: TUBG1 (tubulin gamma 1; plus strand). Cytogenetic location: 17q21.2.
Variant type: single nucleotide variant.
Coding change: c.1131G>T on transcript NM_001070.5 (MANE Select); coding-DNA position 1131, G replaced by T.
Protein change: p.Met377Ile; replaces methionine 377 with isoleucine.
Molecular consequence: missense variant.
Genome position (GRCh38, 1-based): chr17:42,614,630, G>T. VCF-style: chr17-42614630-G-T. GRCh37 (hg19) VCF-style: chr17-40766648-G-T.
Other names: NM_001070.5:c.1131G>T; short protein forms M377I.
Identifiers: ClinVar variation 3236665 (VCV003236665.1), dbSNP rs2510736257, ClinGen allele CA399629722.

ClinVar aggregate classification (germline): Uncertain significance (1 of 4 stars; one submission).

Conditions:
Complex cortical dysplasia with other brain malformations 4. Identifiers: MedGen C3809420, MONDO:0014171, OMIM 615412.

Submission:

Broad Center for Mendelian Genomics, Broad Institute of MIT and Harvard
Classification: Uncertain significance for Complex cortical dysplasia with other brain malformations 4. Last evaluated: 2024-05-20. Review status: criteria provided, single submitter. Criteria: ACMG Guidelines, 2015. Collection method: curation. Allele origin: germline. Inheritance: Autosomal dominant inheritance.
Comment: The variant has not been previously reported in individuals with cortical dysplasia, complex, with other brain malformations 4 and was absent from large population studies. Computational prediction tools and conservation analyses suggest that this variant may impact the protein, though this information is not predictive enough to determine pathogenicity. The number of missense variants reported in TUBG1 in the general population is lower than expected, suggesting there is little benign variation in this gene and slightly increasing the possibility that a missense variant in this gene may not be tolerated. In summary, the clinical significance of the p.Met377Ile variant is uncertain. ACMG/AMP Criteria applied: PM2_Supporting, PP3_Moderate, PP2 (Richards 2015).